The following is an entry in ClinVar:

ClinVar aggregate classification (germline): Likely pathogenic. Review status: criteria provided, multiple submitters, no conflicts (2 of 4 stars). 2 submissions from 2 submitters: Likely pathogenic (2). Last evaluated 2023-08-04.

Conditions:
PIEZO1-related disorder. Also called: PIEZO1-related condition; PIEZO1-Related Disorders.

gnomAD v4.1: 1 of 1,550,556 alleles (0.000064%); highest among the groups gnomAD compares: Non-Finnish European, 0.000087%; no homozygotes.

Submissions (2):

Labcorp Genetics (formerly Invitae), Labcorp
Classification: Likely pathogenic. Last evaluated: 2023-08-04. Review status: criteria provided, single submitter. Criteria: Invitae Variant Classification Sherloc (09022015). Collection method: clinical testing. Allele origin: germline.
Comment: This sequence change replaces arginine, which is basic and polar, with glycine, which is neutral and non-polar, at codon 2088 of the PIEZO1 protein (p.Arg2088Gly). This variant is not present in population databases (gnomAD no frequency). This missense change has been observed in individuals with hereditary xerocytosis (HX) (PMID: 28716860, 31040790, 31624108). ClinVar contains an entry for this variant (Variation ID: 1522988). Advanced modeling of protein sequence and biophysical properties (such as structural, functional, and spatial information, amino acid conservation, physicochemical variation, residue mobility, and thermodynamic stability) has been performed at Invitae for this missense variant, however the output from this modeling did not meet the statistical confidence thresholds required to predict the impact of this variant on PIEZO1 protein function. Experimental studies are conflicting or provide insufficient evidence to determine the effect of this variant on PIEZO1 function (PMID: 28716860, 31040790). In summary, the currently available evidence indicates that the variant is pathogenic, but additional data are needed to prove that conclusively. Therefore, this variant has been classified as Likely Pathogenic.

PreventionGenetics, part of Exact Sciences
Classification: Likely pathogenic for PIEZO1-related condition. Last evaluated: 2022-09-06. Review status: criteria provided, single submitter. Criteria: ACMG Guidelines, 2015. Collection method: clinical testing. Allele origin: germline.
Comment: The PIEZO1 c.6262C>G variant is predicted to result in the amino acid substitution p.Arg2088Gly. This variant was reported in five patients (three related) with the autosomal dominant PIEZO1-related disorder dehydrated hereditary stomatocytosis or xerocytosis (Glowgowska et al. 2017. PubMed ID: 28716860; Petkova-Kirova et al. 2019 PubMed ID: 31040790; Moura et al. 2020. PubMed ID: 31624108; 19th Congress of the European Hematology Association, 2014, ABSSUB-4482). Functional studies in Glowgowska et al. indicate the p.Arg2088Gly substitution may affect proper PIEZO1 protein localization and biochemical activity. This variant has not been reported in a large population database, indicating this variant is rare. This variant is interpreted as likely pathogenic.

Literature cited by the submitters: PubMed 28716860 (cited by Labcorp Genetics (formerly Invitae), Labcorp); PubMed 31040790 (cited by Labcorp Genetics (formerly Invitae), Labcorp); PubMed 31624108 (cited by Labcorp Genetics (formerly Invitae), Labcorp).

NM_001142864.4(PIEZO1):c.6262C>G (p.Arg2088Gly)

Gene: PIEZO1 (piezo type mechanosensitive ion channel component 1 (Er blood group); minus strand). Cytogenetic location: 16q24.3.
Variant type: single nucleotide variant.
Coding change: c.6262C>G on transcript NM_001142864.4 (MANE Select); coding-DNA position 6262, C replaced by G.
Protein change: p.Arg2088Gly; replaces arginine 2088 with glycine.
Molecular consequence: missense variant.
Genome position (GRCh38, 1-based): chr16:88,719,863, G>C on the plus strand (C>G on the coding strand, the complement: PIEZO1 is on the minus strand). VCF-style: chr16-88719863-G-C. GRCh37 (hg19) VCF-style: chr16-88786271-G-C.
Other names: c.6262C>G (NM_001142864.3); short protein forms R2088G.
Identifiers: ClinVar variation 1522988 (VCV001522988.6), dbSNP rs745674960, ClinGen allele CA397084330.